The following is an entry in ClinVar:

ClinVar aggregate classification (germline): Benign/Likely benign. Review status: criteria provided, multiple submitters, no conflicts (2 of 4 stars). 3 submissions from 3 submitters: Benign (1); Likely benign (2). Last evaluated 2025-04-02.

Conditions:
Hereditary cancer-predisposing syndrome. Also called: Tumor predisposition; Hereditary Cancer Syndrome; Hereditary neoplastic syndrome; Neoplastic Syndromes, Hereditary. Identifiers: Orphanet 140162, MedGen C0027672, MeSH D009386, MONDO:0015356.
Familial cancer of breast. Also called: hereditary breast carcinoma; BREAST CANCER, FAMILIAL; Hereditary breast cancer. Identifiers: Orphanet 227535, MedGen C0346153, MONDO:0016419, OMIM 114480. Disease mechanism: loss of function.

Submissions (3):

Labcorp Genetics (formerly Invitae), Labcorp
Classification: Likely benign for Familial cancer of breast. Last evaluated: 2025-04-02. Review status: criteria provided, single submitter. Criteria: Invitae Variant Classification Sherloc (09022015). Collection method: clinical testing. Allele origin: germline.

Myriad Genetics, Inc.
Classification: Benign for Familial cancer of breast. Last evaluated: 2025-01-16. Review status: criteria provided, single submitter. Criteria: Myriad Autosomal Dominant, Autosomal Recessive and X-Linked Classification Criteria (2023). Collection method: clinical testing. Allele origin: unknown.
Comment: This variant is considered benign. This variant is a silent/synonymous amino acid change and it is not expected to impact splicing.

Ambry Genetics
Classification: Likely benign for Hereditary cancer-predisposing syndrome. Last evaluated: 2016-05-26. Review status: criteria provided, single submitter. Criteria: Ambry Variant Classification Scheme 2023. Collection method: clinical testing. Allele origin: germline.

NM_024675.4(PALB2):c.2424A>G (p.Gly808=)

Gene: PALB2 (partner and localizer of BRCA2; minus strand). Cytogenetic location: 16p12.2.
Variant type: single nucleotide variant.
Coding change: c.2424A>G on transcript NM_024675.4 (MANE Select); coding-DNA position 2424, A replaced by G.
Protein change: p.Gly808=; no amino-acid change (glycine 808 retained).
Molecular consequence: synonymous variant.
Genome position (GRCh38, 1-based): chr16:23,629,730, T>C on the plus strand (A>G on the coding strand, the complement: PALB2 is on the minus strand). VCF-style: chr16-23629730-T-C. GRCh37 (hg19) VCF-style: chr16-23641051-T-C.
Identifiers: ClinVar variation 486004 (VCV000486004.7), dbSNP rs1060504714, ClinGen allele CA494460916.